The following is an entry in ClinVar:

ClinVar aggregate classification (germline): Uncertain significance. Review status: criteria provided, multiple submitters, no conflicts (2 of 4 stars). 3 submissions from 3 submitters: Uncertain significance (3). Last evaluated 2025-06-12.

Conditions:
Mitochondrial DNA depletion syndrome 13. Also called: FBXL4-Related Encephalomyopathic Mitochondrial DNA Depletion Syndrome; Mitochondrial DNA depletion syndrome 13 (encephalomyopathic type). Identifiers: Orphanet 369897, MedGen C3809592, MONDO:0014198, OMIM 615471.

Allele frequency attached by ClinVar (database versions not stated): TOPMed 0.00002; gnomAD exomes 0.00006 and 0.00001; ExAC 0.00006.
gnomAD v4.1: 18 of 1,614,088 alleles (0.0011%); highest among the groups gnomAD compares: Admixed American, 0.028%; no homozygotes.

Submissions (3):

GeneDx
Classification: Uncertain significance. Last evaluated: 2025-06-12. Review status: criteria provided, single submitter. Criteria: GeneDx Variant Classification Process June 2021. Collection method: clinical testing. Allele origin: germline.
Comment: In silico analysis suggests that this missense variant does not alter protein structure/function; Has not been previously published as pathogenic or benign to our knowledge

Labcorp Genetics (formerly Invitae), Labcorp
Classification: Uncertain significance. Last evaluated: 2024-02-05. Review status: criteria provided, single submitter. Criteria: Invitae Variant Classification Sherloc (09022015). Collection method: clinical testing. Allele origin: germline.
Comment: This sequence change replaces tyrosine, which is neutral and polar, with cysteine, which is neutral and slightly polar, at codon 251 of the FBXL4 protein (p.Tyr251Cys). This variant is present in population databases (rs758776562, gnomAD 0.04%). This variant has not been reported in the literature in individuals affected with FBXL4-related conditions. ClinVar contains an entry for this variant (Variation ID: 437631). Advanced modeling of protein sequence and biophysical properties (such as structural, functional, and spatial information, amino acid conservation, physicochemical variation, residue mobility, and thermodynamic stability) performed at Invitae indicates that this missense variant is not expected to disrupt FBXL4 protein function with a negative predictive value of 80%. In summary, the available evidence is currently insufficient to determine the role of this variant in disease. Therefore, it has been classified as a Variant of Uncertain Significance.

Wong Mito Lab, Molecular and Human Genetics, Baylor College of Medicine
Classification: Uncertain significance for Mitochondrial DNA depletion syndrome 13. Last evaluated: 2017-08-10. Review status: criteria provided, single submitter. Criteria: ACMG Guidelines, 2015. Collection method: reference population. Allele origin: germline.
Comment: The NM_012160.4:c.752A>G (NP_036292.2:p.Tyr251Cys) [GRCH38: NC_000006.12:g.98917480T>C] variant in FBXL4 gene is interpretated to be a Uncertain Significance - Insufficient Evidence based on ACMG guidelines (PMID: 25741868). This variant meets one or more of the following evidence codes reported in the ACMG-guideline. PM2:This variant is absent in key population databases. Based on this evidence code ClinGen Pathogenicity Calculator (PMID:28081714) suggested that the variant is Uncertain Significance - Insufficient Evidence.

NM_001278716.2(FBXL4):c.752A>G (p.Tyr251Cys)

Gene: FBXL4 (F-box and leucine rich repeat protein 4; minus strand). Cytogenetic location: 6q16.2.
Variant type: single nucleotide variant.
Coding change: c.752A>G on transcript NM_001278716.2 (MANE Select); coding-DNA position 752, A replaced by G.
Protein change: p.Tyr251Cys; replaces tyrosine 251 with cysteine.
Molecular consequence: missense variant.
Genome position (GRCh38, 1-based): chr6:98,917,480, T>C on the plus strand (A>G on the coding strand, the complement: FBXL4 is on the minus strand). VCF-style: chr6-98917480-T-C. GRCh37 (hg19) VCF-style: chr6-99365356-T-C.
Other names: c.752A>G, p.Tyr251Cys (NM_012160.5); short protein forms Y251C.
Identifiers: ClinVar variation 437631 (VCV000437631.9), dbSNP rs758776562, ClinGen allele CA3933621.